The following is an entry in ClinVar:

ClinVar aggregate classification (germline): Uncertain significance (1 of 4 stars; one submission).

Conditions:
Anauxetic dysplasia. Identifiers: Orphanet 93347, MedGen C1846796, MONDO:0011773.

Submission:

Labcorp Genetics (formerly Invitae), Labcorp
Classification: Uncertain significance for Anauxetic dysplasia. Last evaluated: 2022-07-19. Review status: criteria provided, single submitter. Criteria: Invitae Variant Classification Sherloc (09022015). Collection method: clinical testing. Allele origin: germline.
Comment: In summary, the available evidence is currently insufficient to determine the role of this variant in disease. Therefore, it has been classified as a Variant of Uncertain Significance. Experimental studies and prediction algorithms are not available or were not evaluated, and the functional significance of this variant is currently unknown. This variant occurs in the RMRP gene, which encodes an RNA molecule that does not result in a protein product. This variant is not present in population databases (gnomAD no frequency). This variant has not been reported in the literature in individuals affected with RMRP-related conditions.

NC_000009.12:g.35658039T>A

Gene: RMRP (RNA component of mitochondrial RNA processing endoribonuclease; minus strand). Cytogenetic location: 9p13.3.
Variant type: single nucleotide variant.
Genome position: GRCh38 VCF-style: chr9-35658039-T-A. GRCh37 (hg19) VCF-style: chr9-35658036-T-A.
Identifiers: ClinVar variation 1011136 (VCV001011136.14), dbSNP rs563106486, ClinGen allele CA1846127725.